The following is an entry in ClinVar:

ClinVar aggregate classification (germline): Uncertain significance (1 of 4 stars; one submission).

Conditions:
Epileptic encephalopathy. Identifiers: MedGen C0543888, HP:0200134.

Submission:

Labcorp Genetics (formerly Invitae), Labcorp
Classification: Uncertain significance for Epileptic encephalopathy. Last evaluated: 2025-09-02. Review status: criteria provided, single submitter. Criteria: Invitae Variant Classification Sherloc (09022015). Collection method: clinical testing. Allele origin: germline.
Comment: This sequence change replaces proline, which is neutral and non-polar, with threonine, which is neutral and polar, at codon 170 of the GABBR2 protein (p.Pro170Thr). This variant is not present in population databases (gnomAD no frequency). This variant has not been reported in the literature in individuals affected with GABBR2-related conditions. ClinVar contains an entry for this variant (Variation ID: 2837643). Invitae Evidence Modeling of protein sequence and biophysical properties (such as structural, functional, and spatial information, amino acid conservation, physicochemical variation, residue mobility, and thermodynamic stability) indicates that this missense variant is expected to disrupt GABBR2 protein function with a positive predictive value of 80%. In summary, the available evidence is currently insufficient to determine the role of this variant in disease. Therefore, it has been classified as a Variant of Uncertain Significance.

NM_005458.8(GABBR2):c.508C>A (p.Pro170Thr)

Gene: GABBR2 (gamma-aminobutyric acid type B receptor subunit 2; minus strand). Cytogenetic location: 9q22.33.
Variant type: single nucleotide variant.
Coding change: c.508C>A on transcript NM_005458.8 (MANE Select); coding-DNA position 508, C replaced by A.
Protein change: p.Pro170Thr; replaces proline 170 with threonine.
Molecular consequence: missense variant.
Genome position (GRCh38, 1-based): chr9:98,541,995, G>T on the plus strand (C>A on the coding strand, the complement: GABBR2 is on the minus strand). VCF-style: chr9-98541995-G-T. GRCh37 (hg19) VCF-style: chr9-101304277-G-T.
Other names: short protein forms P170T.
Identifiers: ClinVar variation 2837643 (VCV002837643.3), dbSNP rs2490087080, ClinGen allele CA374351107.